The following is an entry in ClinVar:

ClinVar aggregate classification (germline): Uncertain significance (1 of 4 stars; one submission).

Submission:

GeneDx
Classification: Uncertain significance. Last evaluated: 2022-07-29. Review status: criteria provided, single submitter. Criteria: GeneDx Variant Classification Process June 2021. Collection method: clinical testing. Allele origin: germline. Affected: yes.
Comment: Not observed at significant frequency in large population cohorts (gnomAD); In silico analysis supports that this missense variant has a deleterious effect on protein structure/function; Has not been previously published as pathogenic or benign to our knowledge

NM_001139.3(ALOX12B):c.791T>C (p.Phe264Ser)

Genes: ALOX12B (arachidonate 12-lipoxygenase, 12R type; minus strand), LOC130060196 (ATAC-STARR-seq lymphoblastoid active region 11660; plus strand). Cytogenetic location: 17p13.1.
Variant type: single nucleotide variant.
Coding change: c.791T>C on transcript NM_001139.3 (MANE Select); coding-DNA position 791, T replaced by C.
Protein change: p.Phe264Ser; replaces phenylalanine 264 with serine.
Molecular consequence: missense variant.
Genome position (GRCh38, 1-based): chr17:8,079,905, A>G on the plus strand (T>C on the coding strand, the complement: ALOX12B is on the minus strand). VCF-style: chr17-8079905-A-G. GRCh37 (hg19) VCF-style: chr17-7983223-A-G.
Other names: c.791T>C, p.Phe264Ser (LRG_1264t1); short protein forms F264S.
Identifiers: ClinVar variation 432899 (VCV000432899.4), dbSNP rs1555643111, ClinGen allele CA397994518.
Genomic context (GRCh38, chr17:8,079,905, plus strand): 5'-GGGATCCGCGTGCAGCGGCGGATCAGGCCGGGGTTGACGCCGTTGAGGTACTGGTACCCA[A>G]AGAAGGTGTCCTCTGCCCAGTGCTCGGCCACGTACTCTGCGAGGACGGCGCGAGGGCGTC-3'
Protein context (NP_001130.1, residues 254-274): VAEHWAEDTF[Phe264Ser]GYQYLNGVNP